The following is an entry in ClinVar:

ClinVar aggregate classification (germline): Uncertain significance (1 of 4 stars; one submission).

Conditions:
Norman-Roberts syndrome (LIS2). Also called: Lissencephaly 2 (Norman-Roberts type). Identifiers: Orphanet 89844, MedGen C0796089, MONDO:0009760, OMIM 257320.
Familial temporal lobe epilepsy 7. Identifiers: Orphanet 101046, MedGen C4225327, MONDO:0014639, OMIM 616436.

Allele frequency attached by ClinVar (database versions not stated): gnomAD exomes below 0.00001.
gnomAD v4.1: 2 of 1,579,984 alleles (0.00013%); highest among the groups gnomAD compares: Non-Finnish European, 0.00017%; no homozygotes.

Submission:

Labcorp Genetics (formerly Invitae), Labcorp
Classification: Uncertain significance for Familial temporal lobe epilepsy 7; Norman-Roberts syndrome. Last evaluated: 2019-11-04. Review status: criteria provided, single submitter. Criteria: Invitae Variant Classification Sherloc (09022015). Collection method: clinical testing. Allele origin: germline.
Comment: In summary, the available evidence is currently insufficient to determine the role of this variant in disease. Therefore, it has been classified as a Variant of Uncertain Significance. Algorithms developed to predict the effect of missense changes on protein structure and function (SIFT, PolyPhen-2, Align-GVGD) all suggest that this variant is likely to be tolerated, but these predictions have not been confirmed by published functional studies and their clinical significance is uncertain. This variant has not been reported in the literature in individuals with RELN-related conditions. This variant is not present in population databases (ExAC no frequency). This sequence change replaces threonine with serine at codon 10 of the RELN protein (p.Thr10Ser). The threonine residue is weakly conserved and there is a small physicochemical difference between threonine and serine.

NM_005045.4(RELN):c.28A>T (p.Thr10Ser)

Gene: RELN (reelin; minus strand). Cytogenetic location: 7q22.1.
Variant type: single nucleotide variant.
Coding change: c.28A>T on transcript NM_005045.4 (MANE Select); coding-DNA position 28, A replaced by T.
Protein change: p.Thr10Ser; replaces threonine 10 with serine.
Molecular consequence: missense variant.
Genome position (GRCh38, 1-based): chr7:103,989,329, T>A on the plus strand (A>T on the coding strand, the complement: RELN is on the minus strand). VCF-style: chr7-103989329-T-A. GRCh37 (hg19) VCF-style: chr7-103629776-T-A.
Other names: c.28A>T, p.Thr10Ser (NM_173054.3); short protein forms T10S.
Identifiers: ClinVar variation 970418 (VCV000970418.9), dbSNP rs1584425962, ClinGen allele CA368931608.
Genomic context (GRCh38, chr7:103,989,329, plus strand): 5'-AATAGCCAGCCGCCGCGCGCGCCCTCAGCGTCGCCCCCAGCAACAGCGCTAGGAGGAAAG[T>A]CTGCCGGGCCCAGCCACTGCGCTCCATGCCGCCGCCGCCGCCGCCGCCGCCGCGCGCCCT-3'
Protein context (NP_005036.2, residues 1-20): MERSGWARQ[Thr10Ser]FLLALLLGAT